The following is an entry in ClinVar:

ClinVar aggregate classification (germline): Uncertain significance. Review status: criteria provided, multiple submitters, no conflicts (2 of 4 stars). 6 submissions from 6 submitters: Uncertain significance (6). Last evaluated 2025-01-08.

Conditions:
Hereditary cancer-predisposing syndrome. Also called: Hereditary neoplastic syndrome; Neoplastic Syndromes, Hereditary; Tumor predisposition; Hereditary Cancer Syndrome. Identifiers: Orphanet 140162, MedGen C0027672, MeSH D009386, MONDO:0015356.
Aplastic anemia. Identifiers: Orphanet 182040, Orphanet 88, MedGen C0002874, MONDO:0015909, OMIM 609135, HP:0001915.
Microcephaly, normal intelligence and immunodeficiency (NBS). Also called: IMMUNODEFICIENCY, MICROCEPHALY, AND CHROMOSOMAL INSTABILITY; SEEMANOVA SYNDROME II; Nijmegen breakage syndrome; Microcephaly with normal intelligence immunodeficiency and lymphoreticular malignancies; Nonsyndromal microcephaly autosomal recessive with normal intelligence; Seemanova syndrome 2. Identifiers: Orphanet 647, MedGen C0398791, MONDO:0009623, OMIM 251260.

Allele frequency attached by ClinVar (database versions not stated): gnomAD exomes below 0.00001.
gnomAD v4.1: 1 of 1,614,062 alleles (0.000062%); highest among the groups gnomAD compares: Admixed American, 0.0017%; no homozygotes.

Submissions (6):

St. Jude Molecular Pathology, St. Jude Children's Research Hospital
Classification: Uncertain significance for Microcephaly, normal intelligence and immunodeficiency. Last evaluated: 2025-01-08. Review status: criteria provided, single submitter. Criteria: St. Jude Assertion Criteria 2020. Collection method: clinical testing. Allele origin: germline.
Comment: The NBN c.249G>A (p.Met83Ile) missense change has a maximum subpopulation frequency of 0.003% in gnomAD v2.1.1. The in silico tool REVEL predicts a benign effect on protein function, but to our knowledge this prediction has not been confirmed by functional studies. To our knowledge, this variant has not been reported in individuals with Nijmegen breakage syndrome. In summary, the evidence currently available is insufficient to determine the clinical significance of this variant. It has therefore been classified as of uncertain significance.

Ambry Genetics
Classification: Uncertain significance for Hereditary cancer-predisposing syndrome. Last evaluated: 2024-06-05. Review status: criteria provided, single submitter. Criteria: Ambry Variant Classification Scheme 2023. Collection method: clinical testing. Allele origin: germline.
Comment: The p.M83I variant (also known as c.249G>A), located in coding exon 3 of the NBN gene, results from a G to A substitution at nucleotide position 249. The methionine at codon 83 is replaced by isoleucine, an amino acid with highly similar properties. This amino acid position is not well conserved in available vertebrate species. In addition, this alteration is predicted to be tolerated by in silico analysis. Since supporting evidence is limited at this time, the clinical significance of this alteration remains unclear.

Baylor Genetics
Classification: Uncertain significance for Aplastic anemia. Last evaluated: 2024-02-03. Review status: criteria provided, single submitter. Criteria: ACMG Guidelines, 2015. Collection method: clinical testing. Allele origin: unknown.

Labcorp Genetics (formerly Invitae), Labcorp
Classification: Uncertain significance for Microcephaly, normal intelligence and immunodeficiency. Last evaluated: 2023-08-28. Review status: criteria provided, single submitter. Criteria: Invitae Variant Classification Sherloc (09022015). Collection method: clinical testing. Allele origin: germline.
Comment: This sequence change replaces methionine, which is neutral and non-polar, with isoleucine, which is neutral and non-polar, at codon 83 of the NBN protein (p.Met83Ile). This variant is present in population databases (no rsID available, gnomAD 0.003%). This variant has not been reported in the literature in individuals affected with NBN-related conditions. ClinVar contains an entry for this variant (Variation ID: 480024). In summary, the available evidence is currently insufficient to determine the role of this variant in disease. Therefore, it has been classified as a Variant of Uncertain Significance. Algorithms developed to predict the effect of missense changes on protein structure and function output the following: SIFT: "Not Available"; PolyPhen-2: "Benign"; Align-GVGD: "Not Available". The isoleucine amino acid residue is found in multiple mammalian species, which suggests that this missense change does not adversely affect protein function.

Genome-Nilou Lab
Classification: Uncertain significance for Microcephaly, normal intelligence and immunodeficiency. Last evaluated: 2021-11-07. Review status: criteria provided, single submitter. Criteria: ACMG Guidelines, 2015. Collection method: clinical testing. Allele origin: germline. Affected: no.

GeneDx
Classification: Uncertain significance. Last evaluated: 2020-10-12. Review status: criteria provided, single submitter. Criteria: GeneDx Variant Classification Process June 2021. Collection method: clinical testing. Allele origin: germline. Affected: yes.
Comment: Not observed at a significant frequency in large population cohorts (Lek 2016); In silico analysis supports that this missense variant does not alter protein structure/function; Has not been previously published as pathogenic or benign to our knowledge

NM_002485.5(NBN):c.249G>A (p.Met83Ile)

Gene: NBN (nibrin; minus strand). Cytogenetic location: 8q21.3.
Variant type: single nucleotide variant.
Coding change: c.249G>A on transcript NM_002485.5 (MANE Select); coding-DNA position 249, G replaced by A.
Protein change: p.Met83Ile; replaces methionine 83 with isoleucine.
Molecular consequence: missense variant. On other transcripts: initiator codon variant (1).
Genome position (GRCh38, 1-based): chr8:89,981,446, C>T on the plus strand (G>A on the coding strand, the complement: NBN is on the minus strand). VCF-style: chr8-89981446-C-T. GRCh37 (hg19) VCF-style: chr8-90993674-C-T.
Other names: c.3G>A, p.Met1Ile (NM_001024688.3); short protein forms M83I, M1I.
Identifiers: ClinVar variation 480024 (VCV000480024.26), dbSNP rs1438838735, ClinGen allele CA371662482.